The following continues an entry in ClinVar:

NM_000057.4(BLM):c.1642C>T (p.Gln548Ter)

Gene: BLM. ClinVar aggregate classification (germline): Pathogenic. Pathogenic (28).

Submissions 25 to 35 of 35:

Illumina Laboratory Services, Illumina
Classification: Pathogenic for Bloom syndrome. Last evaluated: 2018-08-15. Review status: criteria provided, single submitter. Criteria: ICSL Variant Classification Criteria 09 May 2019. Collection method: clinical testing. Allele origin: germline.
Comment: The BLM c.1642C>T (p.Gln548Ter) variant is a stop-gained variant predicted to result in premature termination of the protein. Across a selection of the available literature, the p.Gln548Ter variant has been identified in a total of eight individuals with Bloom syndrome, including in four in a homozygous state and in four in a compound heterozygous state (German et al. 2007; Classen et al. 2013; VojtkovÃ¡ et al. 2016; Suspitsin et al. 2017). The compound heterozygotes all carry a second null variant in trans including one deletion, one splice variant and two stop-gained variants. The p.Gln548Ter variant was found to segregate with disease in a two generation family. The p.Gln548Ter variant was reported in a heterozygous state in 32 of 8809 controls and is noted to be a founder variant in the Slavic population (Antczak et al. 2013; Bogdanova et al. 2015). The variant is reported at a frequency of 0.00033 in the European (non-Finnish) population of the Genome Aggregation Database. Based on the collective evidence and the potential impact of stop-gained variants, the p.Gln548Ter variant is classified as pathogenic for Bloom syndrome. This variant was observed by ICSL as part of a predisposition screen in an ostensibly healthy population.

Mendelics
Classification: Pathogenic for Bloom syndrome. Last evaluated: 2018-07-02. Review status: criteria provided, single submitter. Criteria: Mendelics Assertion Criteria 2017. Collection method: clinical testing. Allele origin: unknown.

Women's Health and Genetics/Laboratory Corporation of America, LabCorp
Classification: Pathogenic for Bloom syndrome. Last evaluated: 2016-06-03. Review status: criteria provided, single submitter. Criteria: LabCorp Variant Classification Summary - May 2015. Collection method: clinical testing. Allele origin: germline.
Comment: Variant summary: The BLM c.1642C>T (p.Gln548X) variant results in a premature termination codon, predicted to cause a truncated or absent BLM protein due to nonsense mediated decay, which are commonly known mechanisms for disease. Truncations downstream of this position have been classified as pathogenic by our laboratory (e.g. c.2207_2212delinsTAGATTC). This variant was also found in 27/124630 control chromosomes at a frequency of 0.0002166, which does not exceed the estimated maximal expected allele frequency of a pathogenic BLM variant (0.0035355). This variant has been reported in three patients with Bloom syndrome, two were known to be compound heterozygotes with another deleterious variant. The variant is also known to confer risk for breast and other types of cancer. Multiple clinical diagnostic laboratories/reputable databases have classified this variant as pathogenic. Taken together, this variant is classified as pathogenic.

Eurofins Ntd Llc (ga)
Classification: Pathogenic. Last evaluated: 2015-11-25. Review status: criteria provided, single submitter. Criteria: EGL Classification Definitions 2015. Collection method: clinical testing. Allele origin: germline. Observed: 5 variant alleles, 5 heterozygotes.

Clinical Genetics Laboratory, University Hospital Schleswig-Holstein
Classification: Pathogenic for Bloom syndrome. Last evaluated: 2024-07-19. Review status: no assertion criteria provided. Collection method: clinical testing. Allele origin: germline. Affected: yes. Not counted in ClinVar's aggregate classification.

Diagnostics Centre, Carl Von Ossietzky University Oldenburg
Classification: Pathogenic for Bloom syndrome. Last evaluated: 2023-08-21. Review status: no assertion criteria provided. Collection method: clinical testing. Allele origin: germline. Affected: yes. Observed: 1 variant allele. Not counted in ClinVar's aggregate classification.
Comment: The variant BLM:c.1642C>T p.(Gln548*), which is located in the coding exon 7 of the BLM gene, results from a cytosine to thymine substitution at nucleotide position 1642. The glutamine at protein position 548 is replaced by a stop codon at the translational level. The variant affects and exon (7/22) that is present in biologically relevant transcripts and is predicted to cause protein truncation/absent due to non-sense mediated decay in a gene where loss of function is a known mechanism of disease. The variant is classified as very rare in the overall population (allele frequency= 0.00017 in gnomAD v4.1.0). The variant has already been described in homozygous as well as compound heterozygous state in patients affected with BLM-associated disorders (PMID: 17407155, 23552953, 26340805, 28611551, 33219493). In summary, the variant is classified as Pathogenic.

Pathway Genomics
Classification: Pathogenic for Bloom syndrome. Last evaluated: 2014-07-24. Review status: no assertion criteria provided. Collection method: clinical testing. Allele origin: germline. Not counted in ClinVar's aggregate classification.

Clinical Genetics DNA and cytogenetics Diagnostics Lab, Erasmus MC, Erasmus Medical Center
Classification: Likely pathogenic. Review status: no assertion criteria provided. Collection method: clinical testing. Allele origin: germline. Affected: yes. Study: VKGL Data-share Consensus. Not counted in ClinVar's aggregate classification.

Genome Diagnostics Laboratory, Amsterdam University Medical Center
Classification: Pathogenic. Review status: no assertion criteria provided. Collection method: clinical testing. Allele origin: germline. Affected: yes. Study: VKGL Data-share Consensus. Not counted in ClinVar's aggregate classification.

Joint Genome Diagnostic Labs from Nijmegen and Maastricht, Radboudumc and MUMC+
Classification: Pathogenic. Review status: no assertion criteria provided. Collection method: clinical testing. Allele origin: germline. Affected: yes. Study: VKGL Data-share Consensus. Not counted in ClinVar's aggregate classification.

Medical Genetics, Medical University Pleven
Classification: Pathogenic for Bloom syndrome. Review status: no assertion criteria provided. Collection method: research. Allele origin: germline. Inheritance: Autosomal dominant inheritance. Affected: yes. Observed: 1 heterozygote. Not counted in ClinVar's aggregate classification.

Literature cited by the submitters: PubMed 17407155 (cited by 12 submitters); PubMed 23225144 (cited by 7 submitters); PubMed 23552953 (cited by 7 submitters); PubMed 24096176 (cited by 6 submitters); PubMed 25399228 (cited by 5 submitters); PubMed 26358404 (cited by 5 submitters); PubMed 28611551 (cited by 8 submitters); PubMed 26340805 (cited by 6 submitters); PubMed 21815139 (cited by 3 submitters); PubMed 26822949 (cited by Ambry Genetics and Quest Diagnostics Nichols Institute San Juan Capistrano); PubMed 27153395 (cited by Ambry Genetics); PubMed 28232778 (cited by Quest Diagnostics Nichols Institute San Juan Capistrano and Sema4); PubMed 25182961 (cited by 4 submitters); PubMed 32923906 (cited by Quest Diagnostics Nichols Institute San Juan Capistrano); PubMed 29625052 (cited by Quest Diagnostics Nichols Institute San Juan Capistrano); PubMed 32655338 (cited by Victorian Clinical Genetics Services, Murdoch Childrens Research Institute); PubMed 25525159 (cited by Women's Health and Genetics/Laboratory Corporation of America, LabCorp); PubMed 33219493 (cited by Diagnostics Centre, Carl Von Ossietzky University Oldenburg); PubMed 20301572 (cited by Pathway Genomics).